The following is an entry in ClinVar:

ClinVar aggregate classification (germline): Pathogenic (1 of 4 stars; one submission).

Submission:

Labcorp Genetics (formerly Invitae), Labcorp
Classification: Pathogenic. Last evaluated: 2021-02-22. Review status: criteria provided, single submitter. Criteria: Invitae Variant Classification Sherloc (09022015). Collection method: clinical testing. Allele origin: germline.
Comment: This sequence change creates a premature translational stop signal (p.Lys370*) in the SLC24A1 gene. It is expected to result in an absent or disrupted protein product. Loss-of-function variants in SLC24A1 are known to be pathogenic (PMID: 20850105, 26822852). For these reasons, this variant has been classified as Pathogenic. Algorithms developed to predict the effect of sequence changes on RNA splicing suggest that this variant may create or strengthen a splice site, but this prediction has not been confirmed by published transcriptional studies. This variant has not been reported in the literature in individuals with SLC24A1-related conditions. This variant is not present in population databases (ExAC no frequency).

Literature cited by the submitters: PubMed 20850105; PubMed 26822852.

NM_004727.3(SLC24A1):c.1108A>T (p.Lys370Ter)

Gene: SLC24A1 (solute carrier family 24 member 1; plus strand). Cytogenetic location: 15q22.31.
Variant type: single nucleotide variant.
Coding change: c.1108A>T on transcript NM_004727.3 (MANE Select); coding-DNA position 1108, A replaced by T.
Protein change: p.Lys370Ter; replaces lysine 370 with a stop codon.
Molecular consequence: nonsense.
Genome position (GRCh38, 1-based): chr15:65,625,188, A>T. VCF-style: chr15-65625188-A-T. GRCh37 (hg19) VCF-style: chr15-65917526-A-T.
Other names: c.1108A>T, p.Lys370Ter (NM_001301031.1, NM_001301032.1, NM_001301033.2); short protein forms K370*.
Identifiers: ClinVar variation 1350484 (VCV001350484.6), dbSNP rs2141466899, ClinGen allele CA392916777.